The following is an entry in ClinVar:

ClinVar aggregate classification (germline): Benign/Likely benign. Review status: criteria provided, multiple submitters, no conflicts (2 of 4 stars). 3 submissions from 3 submitters: Benign (1); Likely benign (2). Last evaluated 2026-06-29.

Conditions:
Sessile serrated polyposis cancer syndrome (SSPCS). Identifiers: Orphanet 157798, MedGen C4310714, MONDO:0014919, OMIM 617108.

gnomAD v4.1: 5 of 1,583,972 alleles (0.00032%); highest among the groups gnomAD compares: Non-Finnish European, 0.00026%; no homozygotes.

Submissions (3):

Myriad Genetics, Inc.
Classification: Benign for Sessile serrated polyposis cancer syndrome. Last evaluated: 2026-06-29. Review status: criteria provided, single submitter. Criteria: Myriad Autosomal Dominant, Autosomal Recessive and X-Linked Classification Criteria (2023). Collection method: clinical testing. Allele origin: unknown.
Comment: This variant is considered benign. This variant is a silent/synonymous amino acid change and it is not expected to impact splicing.

Ambry Genetics
Classification: Likely benign. Last evaluated: 2025-02-03. Review status: criteria provided, single submitter. Criteria: Ambry Variant Classification Scheme 2023. Collection method: clinical testing. Allele origin: germline.

Labcorp Genetics (formerly Invitae), Labcorp
Classification: Likely benign. Last evaluated: 2024-08-29. Review status: criteria provided, single submitter. Criteria: Invitae Variant Classification Sherloc (09022015). Collection method: clinical testing. Allele origin: germline.

NM_017763.6(RNF43):c.255C>T (p.Ser85=)

Gene: RNF43 (ring finger protein 43; minus strand). Cytogenetic location: 17q22.
Variant type: single nucleotide variant.
Coding change: c.255C>T on transcript NM_017763.6 (MANE Select); coding-DNA position 255, C replaced by T.
Protein change: p.Ser85=; no amino-acid change (serine 85 retained).
Molecular consequence: synonymous variant.
Genome position (GRCh38, 1-based): chr17:58,371,031, G>A on the plus strand (C>T on the coding strand, the complement: RNF43 is on the minus strand). VCF-style: chr17-58371031-G-A. GRCh37 (hg19) VCF-style: chr17-56448392-G-A.
Other names: c.255C>T, p.Ser85= (NM_001305544.3); c.-127C>T (NM_001305545.2).
Identifiers: ClinVar variation 3610959 (VCV003610959.4).